The following is an entry in ClinVar:

NM_006261.5(PROP1):c.629C>T (p.Pro210Leu)

Gene: PROP1 (PROP paired-like homeobox 1; minus strand). Cytogenetic location: 5q35.3.
Variant type: single nucleotide variant.
Coding change: c.629C>T on transcript NM_006261.5 (MANE Select); coding-DNA position 629, C replaced by T.
Protein change: p.Pro210Leu; replaces proline 210 with leucine.
Molecular consequence: missense variant.
Genome position (GRCh38, 1-based): chr5:177,992,761, G>A on the plus strand (C>T on the coding strand, the complement: PROP1 is on the minus strand). VCF-style: chr5-177992761-G-A. GRCh37 (hg19) VCF-style: chr5-177419762-G-A.
Other names: short protein forms P210L.
Identifiers: ClinVar variation 3375205 (VCV003375205.1).

ClinVar aggregate classification (germline): Uncertain significance (1 of 4 stars; one submission).

Submission:

Women's Health and Genetics/Laboratory Corporation of America, LabCorp
Classification: Uncertain significance. Last evaluated: 2024-09-25. Review status: criteria provided, single submitter. Criteria: LabCorp Variant Classification Summary - May 2015. Collection method: clinical testing. Allele origin: germline.
Comment: Variant summary: PROP1 c.629C>T (p.Pro210Leu) results in a non-conservative amino acid change in the encoded protein sequence. Five of five in-silico tools predict a damaging effect of the variant on protein function. The frequency data for this variant in gnomAD is considered unreliable, as metrics indicate poor data quality at this position. To our knowledge, no occurrence of c.629C>T in individuals affected with &phenotype& and no experimental evidence demonstrating its impact on protein function have been reported. No submitters have cited clinical-significance assessments for this variant to ClinVar. Based on the evidence outlined above, the variant was classified as uncertain significance.